The following is an entry in ClinVar:

NM_016343.4(CENPF):c.5645T>C (p.Ile1882Thr)

Gene: CENPF (centromere protein F; plus strand). Cytogenetic location: 1q41.
Variant type: single nucleotide variant.
Coding change: c.5645T>C on transcript NM_016343.4 (MANE Select); coding-DNA position 5645, T replaced by C.
Protein change: p.Ile1882Thr; replaces isoleucine 1882 with threonine.
Molecular consequence: missense variant.
Genome position (GRCh38, 1-based): chr1:214,645,215, T>C. VCF-style: chr1-214645215-T-C. GRCh37 (hg19) VCF-style: chr1-214818558-T-C.
Other names: short protein forms I1882T.
Identifiers: ClinVar variation 2505043 (VCV002505043.1), dbSNP rs964425100, ClinGen allele CA37367957.

ClinVar aggregate classification (germline): Uncertain significance (1 of 4 stars; one submission).

Allele frequency attached by ClinVar (database versions not stated): gnomAD exomes below 0.00001; gnomAD 0.00001; TOPMed 0.00002.
gnomAD v4.1: 4 of 1,613,878 alleles (0.00025%); highest among the groups gnomAD compares: Admixed American, 0.0033%; no homozygotes.

Submission:

GeneDx
Classification: Uncertain significance. Last evaluated: 2022-12-07. Review status: criteria provided, single submitter. Criteria: GeneDx Variant Classification Process June 2021. Collection method: clinical testing. Allele origin: germline. Affected: yes.
Comment: Not observed at significant frequency in large population cohorts (gnomAD); In silico analysis supports that this missense variant does not alter protein structure/function; Has not been previously published as pathogenic or benign to our knowledge